The following is an entry in ClinVar:

ClinVar aggregate classification (germline): Uncertain significance (0 of 4 stars; one submission).

gnomAD v4.1: 26 of 1,613,002 alleles (0.0016%); highest among the groups gnomAD compares: Non-Finnish European, 0.0022%; no homozygotes.

Submission:

Department of Pathology and Laboratory Medicine, Sinai Health System
Classification: Uncertain significance. Review status: no assertion criteria provided. Collection method: clinical testing. Allele origin: unknown. Affected: yes. Study: The Canadian Open Genetics Repository (COGR).
Comment: The LPP p.Pro153Thr variant was not identified in the literature nor was it identified in ClinVar, Cosmic or LOVD 3.0. The variant was identified in dbSNP (ID: rs780877086) and in control databases in 3 of 250148 chromosomes at a frequency of 0.000012 (Genome Aggregation Database Feb 27, 2017). The variant was observed in the following populations: Ashkenazi Jewish in 1 of 9994 chromosomes (freq: 0.0001) and European (non-Finnish) in 2 of 112796 chromosomes (freq: 0.000018); it was not observed in the African, Latino, East Asian, European (Finnish), Other, and South Asian populations. The variant occurs outside of the splicing consensus sequence and in silico or computational prediction software programs (SpliceSiteFinder, MaxEntScan, NNSPLICE, GeneSplicer) do not predict a difference in splicing at the variant location. The p.Pro153 residue is conserved in mammals but not in more distantly related organisms and computational analyses (PolyPhen-2, SIFT, AlignGVGD, BLOSUM, MutationTaster) provide inconsistent predictions regarding the impact to the protein; this information is not very predictive of pathogenicity. In summary, based on the above information the clinical significance of this variant cannot be determined with certainty at this time. This variant is classified as a variant of uncertain significance.

NM_001375462.1(LPP):c.457C>A (p.Pro153Thr)

Gene: LPP (LIM domain containing preferred translocation partner in lipoma; plus strand). Cytogenetic location: 3q28.
Variant type: single nucleotide variant.
Coding change: c.457C>A on transcript NM_001375462.1 (MANE Select); coding-DNA position 457, C replaced by A.
Protein change: p.Pro153Thr; replaces proline 153 with threonine.
Molecular consequence: missense variant. On other transcripts: 5 prime UTR variant (2), non-coding transcript variant (1).
Genome position (GRCh38, 1-based): chr3:188,609,188, C>A. VCF-style: chr3-188609188-C-A. GRCh37 (hg19) VCF-style: chr3-188326976-C-A.
Other names: c.457C>A, p.Pro153Thr (NM_001375456.1, NM_001375457.1, NM_001375458.1 and 29 more transcripts); c.-33C>A (NM_001387675.1, NM_001387676.1); short protein forms P153T.
Identifiers: ClinVar variation 1050142 (VCV001050142.1), dbSNP rs780877086, ClinGen allele CA90056578.